The following is an entry in ClinVar:

ClinVar aggregate classification (germline): Uncertain significance (1 of 4 stars; one submission).

Conditions:
Catecholaminergic polymorphic ventricular tachycardia 1. Also called: VENTRICULAR TACHYCARDIA, CATECHOLAMINERGIC POLYMORPHIC, 1, WITH OR WITHOUT ATRIAL DYSFUNCTION AND/OR DILATED CARDIOMYOPATHY; RYR2-Related Catecholaminergic Polymorphic Ventricular Tachycardia; VENTRICULAR TACHYCARDIA, STRESS-INDUCED POLYMORPHIC 1. Identifiers: Orphanet 3286, MedGen C1631597, MONDO:0011484, OMIM 604772.

Allele frequency attached by ClinVar (database versions not stated): gnomAD exomes below 0.00001; TOPMed below 0.00001; gnomAD 0.00001.
gnomAD v4.1: 3 of 1,476,348 alleles (0.0002%); highest among the groups gnomAD compares: Non-Finnish European, 0.00028%; no homozygotes.

Submission:

Labcorp Genetics (formerly Invitae), Labcorp
Classification: Uncertain significance for Catecholaminergic polymorphic ventricular tachycardia 1. Last evaluated: 2022-07-19. Review status: criteria provided, single submitter. Criteria: Invitae Variant Classification Sherloc (09022015). Collection method: clinical testing. Allele origin: germline.
Comment: This sequence change falls in intron 35 of the TRDN gene. It does not directly change the encoded amino acid sequence of the TRDN protein. It affects a nucleotide within the consensus splice site. This variant is not present in population databases (gnomAD no frequency). In summary, the available evidence is currently insufficient to determine the role of this variant in disease. Therefore, it has been classified as a Variant of Uncertain Significance. Variants that disrupt the consensus splice site are a relatively common cause of aberrant splicing (PMID: 17576681, 9536098). Algorithms developed to predict the effect of sequence changes on RNA splicing suggest that this variant is not likely to affect RNA splicing. ClinVar contains an entry for this variant (Variation ID: 1497560). This variant has not been reported in the literature in individuals affected with TRDN-related conditions.

Literature cited by the submitters: PubMed 17576681; PubMed 9536098.

NM_006073.4(TRDN):c.1870+5A>T

Gene: TRDN (triadin; minus strand). Cytogenetic location: 6q22.31.
Variant type: single nucleotide variant.
Coding change: c.1870+5A>T on transcript NM_006073.4 (MANE Select); 5 bases into the intron after coding-DNA position 1870, A replaced by T.
Molecular consequence: intron variant.
Genome position (GRCh38, 1-based): chr6:123,259,619, T>A on the plus strand (A>T on the coding strand, the complement: TRDN is on the minus strand). VCF-style: chr6-123259619-T-A. GRCh37 (hg19) VCF-style: chr6-123580764-T-A.
Identifiers: ClinVar variation 1497560 (VCV001497560.6), dbSNP rs1041234944, ClinGen allele CA147228205.
Genomic context (GRCh38, chr6:123,259,619, plus strand): 5'-TTTGTTTTTTGTTCCTCTGTTTTTGTGGCTAATTTGATGTATATGTCTTAAAATGTCATT[T>A]TTACCTTTACTTTCTTTTTCAGATATTTCAGTTTTCTTCTTTCCTAGGGGAAAGAAAAAC-3'